The following is an entry in ClinVar:

NM_001105206.3(LAMA4):c.1357+1G>A

Gene: LAMA4 (laminin subunit alpha 4; minus strand). Cytogenetic location: 6q21.
Variant type: single nucleotide variant.
Coding change: c.1357+1G>A on transcript NM_001105206.3 (MANE Select); the canonical splice donor site of the intron after coding-DNA position 1357, G replaced by A.
Molecular consequence: splice donor variant.
Genome position (GRCh38, 1-based): chr6:112,175,312, C>T on the plus strand (G>A on the coding strand, the complement: LAMA4 is on the minus strand). VCF-style: chr6-112175312-C-T. GRCh37 (hg19) VCF-style: chr6-112496514-C-T.
Other names: c.1336+1G>A (NM_002290.5, NM_001105207.3).
Identifiers: ClinVar variation 392989 (VCV000392989.13), dbSNP rs1057524730, ClinGen allele CA16604961.
Genomic context (GRCh38, chr6:112,175,312, plus strand): 5'-CTATTGGACCCACAAAGAGGGCAAACATGTGCTGGGTCAGCTATGAGAGGAATACACCTA[C>T]GTTCGTAAGCCTCATCTGCCTCCTCATCCACGAGCTCCCGTTGGGTGAAAAATGGTTGAC-3'

ClinVar aggregate classification (germline): Uncertain significance. Review status: criteria provided, multiple submitters, no conflicts (2 of 4 stars). 3 submissions from 3 submitters: Uncertain significance (3). Last evaluated 2025-06-05.

Conditions:
Dilated cardiomyopathy 1JJ (CMD1JJ). Identifiers: Orphanet 154, MedGen C3808935, MONDO:0014095, OMIM 615235.
Cardiovascular phenotype. Identifiers: MedGen CN230736.

Allele frequency attached by ClinVar (database versions not stated): gnomAD exomes below 0.00001 and 0.00001.
gnomAD v4.1: 6 of 1,613,830 alleles (0.00037%); highest among the groups gnomAD compares: East Asian, 0.0045%; no homozygotes.

Submissions (3):

Ambry Genetics
Classification: Uncertain significance for Cardiovascular phenotype. Last evaluated: 2025-06-05. Review status: criteria provided, single submitter. Criteria: Ambry Variant Classification Scheme 2023. Collection method: clinical testing. Allele origin: germline.
Comment: The c.1336+1G>A intronic variant results from a G to A substitution one nucleotide after coding exon 10 of the LAMA4 gene. This nucleotide position is highly conserved in available vertebrate species. In silico splice site analysis predicts that this alteration will weaken the native splice donor site and will result in the creation or strengthening of a novel splice donor site. Alterations that disrupt the canonical splice site are expected to cause aberrant splicing, resulting in an abnormal protein or a transcript that is subject to nonsense-mediated mRNA decay. However, loss of function of LAMA4 has not been established as a mechanism of disease. The evidence for this gene-disease relationship is limited; therefore, the clinical significance of this alteration is unclear.

Labcorp Genetics (formerly Invitae), Labcorp
Classification: Uncertain significance for Dilated cardiomyopathy 1JJ. Last evaluated: 2025-04-09. Review status: criteria provided, single submitter. Criteria: Invitae Variant Classification Sherloc (09022015). Collection method: clinical testing. Allele origin: germline.
Comment: This sequence change affects a donor splice site in intron 11 of the LAMA4 gene. It is expected to disrupt RNA splicing. Variants that disrupt the donor or acceptor splice site typically lead to a loss of protein function (PMID: 16199547), however the current clinical and genetic evidence is not sufficient to establish whether loss-of-function variants in LAMA4 cause disease. This variant is present in population databases (no rsID available, gnomAD 0.006%). This variant has not been reported in the literature in individuals affected with LAMA4-related conditions. ClinVar contains an entry for this variant (Variation ID: 392989). Algorithms developed to predict the effect of sequence changes on RNA splicing suggest that this variant may disrupt the consensus splice site. In summary, the available evidence is currently insufficient to determine the role of this variant in disease. Therefore, it has been classified as a Variant of Uncertain Significance.

GeneDx
Classification: Uncertain significance. Last evaluated: 2023-01-10. Review status: criteria provided, single submitter. Criteria: GeneDx Variant Classification Process June 2021. Collection method: clinical testing. Allele origin: germline. Affected: yes.
Comment: Not observed at significant frequency in large population cohorts (gnomAD); Canonical splice site variant in a gene or region of a gene for which loss of function is not a well-established mechanism of disease; Has not been previously published as pathogenic or benign to our knowledge

Literature cited by the submitters: PubMed 16199547 (cited by Labcorp Genetics (formerly Invitae), Labcorp).